The following is an entry in ClinVar:

ClinVar aggregate classification (germline): Uncertain significance. Review status: criteria provided, multiple submitters, no conflicts (2 of 4 stars). 3 submissions from 3 submitters: Uncertain significance (3). Last evaluated 2026-07-28.

Conditions:
APC-related disorder. Also called: APC-related condition.
Familial adenomatous polyposis 1 (FAP1). Also called: FAMILIAL ADENOMATOUS POLYPOSIS 1, ATTENUATED; POLYPOSIS, ADENOMATOUS INTESTINAL. Identifiers: MedGen C2713442, MONDO:0021056, OMIM 175100. Disease mechanism: loss of function.

Allele frequency attached by ClinVar (database versions not stated): gnomAD exomes 0.00001; TOPMed 0.00003.
gnomAD v4.1: 10 of 967,364 alleles (0.001%); highest among the groups gnomAD compares: Admixed American, 0.013%; no homozygotes.

Submissions (3):

PreventionGenetics, part of Exact Sciences
Classification: Uncertain significance for APC-related condition. Last evaluated: 2026-07-28. Review status: criteria provided, single submitter. Criteria: ACMG Guidelines, 2015. Collection method: clinical testing. Allele origin: germline.
Comment: The APC c.-30360T>C variant is located in the 5' untranslated region. This variant is also known as c.-134T>C under the promoter 1B transcript NM_001127511.2. To our knowledge, this variant has not been reported in the literature or in a large population database (gnomAD), indicating this variant is rare. This variant is reported as uncertain in ClinVar (Variation ID: 537607). At this time, the clinical significance of this variant is uncertain due to the absence of conclusive functional and genetic evidence.

Labcorp Genetics (formerly Invitae), Labcorp
Classification: Uncertain significance for Familial adenomatous polyposis 1. Last evaluated: 2026-01-17. Review status: criteria provided, single submitter. Criteria: Invitae Variant Classification Sherloc (09022015). Collection method: clinical testing. Allele origin: germline.
Comment: This variant occurs in a non-coding region of the APC gene. It does not change the encoded amino acid sequence of the APC protein. This variant is not present in population databases (gnomAD no frequency). This variant has not been reported in the literature in individuals affected with APC-related conditions. ClinVar contains an entry for this variant (Variation ID: 537607). Experimental studies and prediction algorithms are not available or were not evaluated, and the functional significance of this variant is currently unknown. In summary, the available evidence is currently insufficient to determine the role of this variant in disease. Therefore, it has been classified as a Variant of Uncertain Significance.

Blueprint Genetics
Classification: Uncertain significance. Last evaluated: 2023-07-18. Review status: criteria provided, single submitter. Criteria: ACMG Guidelines, 2015. Collection method: clinical testing. Allele origin: germline.

NM_001127511.3(APC):c.-134T>C

Gene: APC (APC regulator of Wnt signaling pathway; plus strand). Cytogenetic location: 5q22.2.
Variant type: single nucleotide variant.
Coding change: c.-134T>C on transcript NM_001127511.3; 134 bases upstream of the start codon, T replaced by C.
Molecular consequence: 5 prime UTR variant. On other transcripts: non-coding transcript variant (2).
Genome position (GRCh38, 1-based): chr5:112,707,584, T>C. VCF-style: chr5-112707584-T-C. GRCh37 (hg19) VCF-style: chr5-112043281-T-C.
Other names: c.-317T>C (NM_001354895.2, NM_001407447.1, NM_001407452.1 and 3 more transcripts); c.-134T>C (NM_001354897.2, NM_001354902.2, NM_001407446.1); c.-84T>C (NM_001407448.1, NM_001407450.1, NM_001407457.1 and 1 more transcripts); c.-108T>C (NM_001407453.1); c.-1352T>C (NM_001407470.1, NM_001407472.1).
Identifiers: ClinVar variation 537607 (VCV000537607.12), dbSNP rs963346102, ClinGen allele CA124924933.
Genomic context (GRCh38, chr5:112,707,584, plus strand): 5'-AGATGGCGGAGGGCAAGTAGCAAGGGGGCGGGGTGTGGCCGCCGGAAGCCTAGCCGCTGC[T>C]CGGGGGGGACCTGCGGGCTCAGGCCCGGGAGCTGCGGACCGAGGTTGGCTCGATGCTGTT-3'